The following is an entry in ClinVar:

NM_001372044.2(SHANK3):c.1689-3C>T

Gene: SHANK3 (SH3 and multiple ankyrin repeat domains 3; plus strand). Cytogenetic location: 22q13.33.
Variant type: single nucleotide variant.
Coding change: c.1689-3C>T on transcript NM_001372044.2 (MANE Select); 3 bases into the intron before coding-DNA position 1689, C replaced by T.
Molecular consequence: intron variant.
Genome position (GRCh38, 1-based): chr22:50,698,687, C>T. VCF-style: chr22-50698687-C-T. GRCh37 (hg19) VCF-style: chr22-51137115-C-T.
Other names: c.1499-3C>T (NM_033517.1).
Identifiers: ClinVar variation 588532 (VCV000588532.31), dbSNP rs565420289, ClinGen allele CA10325547.

ClinVar aggregate classification (germline): Conflicting classifications of pathogenicity. Review status: criteria provided, conflicting classifications (1 of 4 stars). 4 submissions from 4 submitters: Uncertain significance (1); Benign (1); Likely benign (2). Last evaluated 2024-11-18.

Conditions:
Inborn genetic diseases. Identifiers: MedGen C0950123, MeSH D030342.

Allele frequency attached by ClinVar (database versions not stated): gnomAD below 0.00001 and 0.00011; TOPMed 0.00002; 1000 Genomes Project 0.00020; gnomAD exomes 0.00029 and 0.00054; 1000 Genomes Project 30x 0.00031; ExAC 0.00059.

Submissions (4):

Blueprint Genetics
Classification: Likely benign. Last evaluated: 2024-11-18. Review status: criteria provided, single submitter. Criteria: ACMG Guidelines, 2015. Collection method: clinical testing. Allele origin: germline.

CeGaT Center for Human Genetics Tuebingen
Classification: Likely benign. Last evaluated: 2023-03-01. Review status: criteria provided, single submitter. Criteria: CeGaT Center For Human Genetics Tuebingen Variant Classification Criteria Version 2. Collection method: clinical testing. Allele origin: germline. Affected: yes. Observed: 1 variant allele.
Comment: SHANK3: BP4, BS1

GeneDx
Classification: Benign. Last evaluated: 2021-03-28. Review status: criteria provided, single submitter. Criteria: GeneDx Variant Classification Process June 2021. Collection method: clinical testing. Allele origin: germline. Affected: yes.

Ambry Genetics
Classification: Uncertain significance for Inborn genetic diseases. Last evaluated: 2016-12-09. Review status: criteria provided, single submitter. Criteria: Ambry Variant Classification Scheme 2023. Collection method: clinical testing. Allele origin: germline.
Comment: The c.1499-3C>T intronic variant results from a C to T substitution 3 nucleotides upstream from coding exon 12 in the SHANK3 gene. This nucleotide position is not well conserved in available vertebrate species. Using the BDGP and ESEfinder splice site prediction tools, this alteration is not predicted to have any significant effect on this splice acceptor site; however, direct evidence is unavailable. Since supporting evidence is limited at this time, the clinical significance of this variant remains unclear.